The following is an entry in ClinVar:

NM_004991.4(MECOM):c.3175A>C (p.Ser1059Arg)

Gene: MECOM (MDS1 and EVI1 complex locus; minus strand). Cytogenetic location: 3q26.2.
Variant type: single nucleotide variant.
Coding change: c.3175A>C on transcript NM_004991.4 (MANE Select); coding-DNA position 3175, A replaced by C.
Protein change: p.Ser1059Arg; replaces serine 1059 with arginine.
Molecular consequence: missense variant.
Genome position (GRCh38, 1-based): chr3:169,090,226, T>G on the plus strand (A>C on the coding strand, the complement: MECOM is on the minus strand). VCF-style: chr3-169090226-T-G. GRCh37 (hg19) VCF-style: chr3-168808014-T-G.
Other names: c.2806A>C, p.Ser936Arg (NM_001105077.4); c.2611A>C, p.Ser871Arg (NM_001105078.4, NM_001205194.2, NM_001366469.2 and 1 more transcripts); c.2587A>C, p.Ser863Arg (NM_001163999.2, NM_001366470.2); c.2584A>C, p.Ser862Arg (NM_001164000.2, NM_001366471.2, NM_001366472.2); c.3148A>C, p.Ser1050Arg (NM_001366466.2); c.2614A>C, p.Ser872Arg (NM_001366467.2, NM_001366468.2); c.2176A>C, p.Ser726Arg (NM_001366473.2); c.1612A>C, p.Ser538Arg (NM_001366474.2); short protein forms S538R, S1050R, S872R, S1059R, S726R, S862R, S863R, S871R.
Identifiers: ClinVar variation 4053074 (VCV004053074.1).

ClinVar aggregate classification (germline): Uncertain significance (1 of 4 stars; one submission).

Conditions:
Inborn genetic diseases. Identifiers: MedGen C0950123, MeSH D030342.

Submission:

Ambry Genetics
Classification: Uncertain significance for Inborn genetic diseases. Last evaluated: 2025-03-17. Review status: criteria provided, single submitter. Criteria: Ambry Variant Classification Scheme 2023. Collection method: clinical testing. Allele origin: germline.
Comment: The p.S1059R variant (also known as c.3175A>C), located in coding exon 15 of the MECOM gene, results from an A to C substitution at nucleotide position 3175. The serine at codon 1059 is replaced by arginine, an amino acid with dissimilar properties. This amino acid position is conserved. In addition, this alteration is predicted to be tolerated by in silico analysis. Based on the available evidence, the clinical significance of this variant remains unclear.